The following is an entry in ClinVar:

ClinVar aggregate classification (germline): Uncertain significance (1 of 4 stars; one submission).

Allele frequency attached by ClinVar (database versions not stated): gnomAD 0.00015; ESP Exome Variant Server 0.00023.
gnomAD v4.1: 387 of 1,613,842 alleles (0.024%); highest among the groups gnomAD compares: South Asian, 0.043%; no homozygotes.

Submission:

Labcorp Genetics (formerly Invitae), Labcorp
Classification: Uncertain significance. Last evaluated: 2022-02-06. Review status: criteria provided, single submitter. Criteria: Invitae Variant Classification Sherloc (09022015). Collection method: clinical testing. Allele origin: germline.
Comment: This sequence change replaces leucine, which is neutral and non-polar, with isoleucine, which is neutral and non-polar, at codon 152 of the NUP85 protein (p.Leu152Ile). This variant is present in population databases (rs149203073, gnomAD 0.04%). This variant has not been reported in the literature in individuals affected with NUP85-related conditions. Algorithms developed to predict the effect of missense changes on protein structure and function are either unavailable or do not agree on the potential impact of this missense change (SIFT: "Deleterious"; PolyPhen-2: "Benign"; Align-GVGD: "Class C0"). In summary, the available evidence is currently insufficient to determine the role of this variant in disease. Therefore, it has been classified as a Variant of Uncertain Significance.

NM_024844.5(NUP85):c.454C>A (p.Leu152Ile)

Gene: NUP85 (nucleoporin 85; plus strand). Cytogenetic location: 17q25.1.
Variant type: single nucleotide variant.
Coding change: c.454C>A on transcript NM_024844.5 (MANE Select); coding-DNA position 454, C replaced by A.
Protein change: p.Leu152Ile; replaces leucine 152 with isoleucine.
Molecular consequence: missense variant.
Genome position (GRCh38, 1-based): chr17:75,215,802, C>A. VCF-style: chr17-75215802-C-A. GRCh37 (hg19) VCF-style: chr17-73211897-C-A.
Other names: c.316C>A, p.Leu106Ile (NM_001303276.2); c.454C>A, p.Leu152Ile (NM_001330472.2); short protein forms L106I, L152I.
Identifiers: ClinVar variation 2177653 (VCV002177653.4), dbSNP rs149203073, ClinGen allele CA8758498.
Genomic context (GRCh38, chr17:75,215,802, plus strand): 5'-TTTCTTCCTTAGGTCTCCATTTTGTCAGCAATGGAGCTCATCTGGAACCTGTGTGAGATT[C>A]TTTTTATTGAAGTGGCCCCAGGTAGGCATGGAATATCTCACCATAATCTCATAGGTGTCC-3'
Protein context (NP_079120.1, residues 142-162): MELIWNLCEI[Leu152Ile]FIEVAPAGPL